The following is an entry in ClinVar:

NM_013336.4(SEC61A1):c.836A>G (p.Tyr279Cys)

Genes: RUVBL1 (RuvB like AAA ATPase 1; minus strand), SEC61A1 (SEC61 translocon subunit alpha 1; plus strand). Cytogenetic location: 3q21.3.
Variant type: single nucleotide variant.
Coding change: c.836A>G on transcript NM_013336.4 (MANE Select); coding-DNA position 836, A replaced by G.
Protein change: p.Tyr279Cys; replaces tyrosine 279 with cysteine.
Molecular consequence: missense variant. On other transcripts: intron variant (1).
Genome position (GRCh38, 1-based): chr3:128,067,012, A>G. VCF-style: chr3-128067012-A-G. GRCh37 (hg19) VCF-style: chr3-127785855-A-G.
Other names: c.854A>G, p.Tyr285Cys (NM_001400328.1); c.677A>G, p.Tyr226Cys (NM_001400329.1); c.940-1792T>C (NM_001319086.1); short protein forms Y279C, Y226C, Y285C.
Identifiers: ClinVar variation 1450714 (VCV001450714.6), dbSNP rs1373407445, ClinGen allele CA354399405.

ClinVar aggregate classification (germline): Uncertain significance (1 of 4 stars; one submission).

Allele frequency attached by ClinVar (database versions not stated): gnomAD exomes below 0.00001.
gnomAD v4.1: 6 of 1,614,138 alleles (0.00037%); highest among the groups gnomAD compares: Non-Finnish European, 0.00051%; no homozygotes.

Submission:

Labcorp Genetics (formerly Invitae), Labcorp
Classification: Uncertain significance. Last evaluated: 2022-12-08. Review status: criteria provided, single submitter. Criteria: Invitae Variant Classification Sherloc (09022015). Collection method: clinical testing. Allele origin: germline.
Comment: In summary, the available evidence is currently insufficient to determine the role of this variant in disease. Therefore, it has been classified as a Variant of Uncertain Significance. Advanced modeling of protein sequence and biophysical properties (such as structural, functional, and spatial information, amino acid conservation, physicochemical variation, residue mobility, and thermodynamic stability) performed at Invitae indicates that this missense variant is expected to disrupt SEC61A1 protein function. ClinVar contains an entry for this variant (Variation ID: 1450714). This variant has not been reported in the literature in individuals affected with SEC61A1-related conditions. This variant is present in population databases (no rsID available, gnomAD 0.0009%). This sequence change replaces tyrosine, which is neutral and polar, with cysteine, which is neutral and slightly polar, at codon 279 of the SEC61A1 protein (p.Tyr279Cys).